The following is an entry in ClinVar:

ClinVar aggregate classification (germline): Likely benign (1 of 4 stars; one submission).

gnomAD v4.1: 4 of 1,610,888 alleles (0.00025%); highest among the groups gnomAD compares: Admixed American, 0.0017%; no homozygotes.

Submission:

CeGaT Center for Human Genetics Tuebingen
Classification: Likely benign. Last evaluated: 2025-12-01. Review status: criteria provided, single submitter. Criteria: CeGaT Center For Human Genetics Tuebingen Variant Classification Criteria Version 2. Collection method: clinical testing. Allele origin: germline. Affected: yes. Observed: 1 variant allele.
Comment: IGFALS: BP4, BP7

NM_004970.3(IGFALS):c.312C>T (p.Asn104=)

Gene: IGFALS (insulin like growth factor binding protein acid labile subunit; minus strand). Cytogenetic location: 16p13.3.
Variant type: single nucleotide variant.
Coding change: c.312C>T on transcript NM_004970.3 (MANE Select); coding-DNA position 312, C replaced by T.
Protein change: p.Asn104=; no amino-acid change (asparagine 104 retained).
Molecular consequence: synonymous variant. On other transcripts: non-coding transcript variant (1).
Genome position (GRCh38, 1-based): chr16:1,792,106, G>A on the plus strand (C>T on the coding strand, the complement: IGFALS is on the minus strand). VCF-style: chr16-1792106-G-A. GRCh37 (hg19) VCF-style: chr16-1842107-G-A.
Other names: c.426C>T, p.Asn142= (NM_001146006.2).
Identifiers: ClinVar variation 4681654 (VCV004681654.5).